The following is an entry in ClinVar:

NM_000047.3(ARSL):c.977T>C (p.Met326Thr)

Gene: ARSL (arylsulfatase L; minus strand). Cytogenetic location: Xp22.33.
Variant type: single nucleotide variant.
Coding change: c.977T>C on transcript NM_000047.3 (MANE Select); coding-DNA position 977, T replaced by C.
Protein change: p.Met326Thr; replaces methionine 326 with threonine.
Molecular consequence: missense variant.
Genome position (GRCh38, 1-based): chrX:2,946,012, A>G on the plus strand (T>C on the coding strand, the complement: ARSL is on the minus strand). VCF-style: chrX-2946012-A-G. GRCh37 (hg19) VCF-style: chrX-2864053-A-G.
Other names: c.1052T>C, p.Met351Thr (NM_001282628.2, NM_001369080.1); c.815T>C, p.Met272Thr (NM_001282631.2); c.1004T>C, p.Met335Thr (NM_001369079.1); short protein forms M326T, M272T, M335T, M351T.
Identifiers: ClinVar variation 546146 (VCV000546146.2), dbSNP rs1555909466, ClinGen allele CA412279497.

ClinVar aggregate classification (germline): Likely pathogenic (1 of 4 stars; one submission).

Submission:

GeneDx
Classification: Likely pathogenic. Last evaluated: 2018-05-18. Review status: criteria provided, single submitter. Criteria: GeneDx Variant Classification (06012015). Collection method: clinical testing. Allele origin: germline. Affected: yes.
Comment: The M326 variant in the ARSE gene, previously reported by an outside laboratory, has not been reported previously in the literature as a pathogenic variant, nor as a benign variant, to our knowledge. The M326 variant is not observed in large population cohorts (Lek et al., 2016). The M326 variant is a non-conservative amino acid substitution, which is likely to impact secondary protein structure as these residues differ in polarity, charge, size and/or other properties. In-silico analyses, including protein predictors and evolutionary conservation, support a deleterious effect. We interpret M326 as a likely pathogenic variant